The following is an entry in ClinVar:

NM_003136.4(SRP54):c.786-5dup

Gene: SRP54 (signal recognition particle 54; plus strand). Cytogenetic location: 14q13.2.
Variant type: Duplication.
Coding change: c.786-5dup on transcript NM_003136.4 (MANE Select); 5 bases into the intron before coding-DNA position 786, one base duplicated (T; older notation c.786-5dupT).
Molecular consequence: intron variant.
Genome position (GRCh38, 1-based): chr14:35,013,797, T duplicated; the last of 9 consecutive T bases (chr14:35,013,789-35,013,797); duplicating any one gives the same sequence. VCF-style (leftmost placement, unchanged base first): chr14-35013788-C-CT. GRCh37 (hg19) VCF-style: chr14-35482994-C-CT.
Other names: c.786-5dup (NM_001411017.1); c.639-5dup (NM_001146282.2).
Identifiers: ClinVar variation 3059805 (VCV003059805.3), dbSNP rs746912378, ClinGen allele CA7153681.

ClinVar aggregate classification (germline): Likely benign. Review status: criteria provided, single submitter (1 of 4 stars). 2 submissions from 2 submitters: Likely benign (1). 1 of the submissions does not count toward it. Last evaluated 2024-11-04.

Conditions:
SRP54-related disorder. Also called: SRP54-related condition.

Submissions (2):

Blueprint Genetics
Classification: Likely benign. Last evaluated: 2024-11-04. Review status: criteria provided, single submitter. Criteria: ACMG Guidelines, 2015. Collection method: clinical testing. Allele origin: germline.

PreventionGenetics, part of Exact Sciences
Classification: Likely benign for SRP54-related condition. Last evaluated: 2020-11-03. Review status: no assertion criteria provided. Collection method: clinical testing. Allele origin: germline. Not counted in ClinVar's aggregate classification.
Comment: This variant is classified as likely benign based on ACMG/AMP sequence variant interpretation guidelines (Richards et al. 2015 PMID: 25741868, with internal and published modifications).